The following is an entry in ClinVar:

NM_000051.4(ATM):c.3435T>A (p.Asp1145Glu)

Gene: ATM (ATM serine/threonine kinase; plus strand). Cytogenetic location: 11q22.3.
Variant type: single nucleotide variant.
Coding change: c.3435T>A on transcript NM_000051.4 (MANE Select); coding-DNA position 3435, T replaced by A.
Protein change: p.Asp1145Glu; replaces aspartic acid 1145 with glutamic acid.
Molecular consequence: missense variant.
Genome position (GRCh38, 1-based): chr11:108,281,027, T>A. VCF-style: chr11-108281027-T-A. GRCh37 (hg19) VCF-style: chr11-108151754-T-A.
Other names: c.3435T>A, p.Asp1145Glu (NM_001351834.2); short protein forms D1145E.
Identifiers: ClinVar variation 918214 (VCV000918214.4), dbSNP rs2082204446, ClinGen allele CA382519150.
Genomic context (GRCh38, chr11:108,281,027, plus strand): 5'-TACATTTTTTTTTTAATTTCTTTTTAAGTCCCATAGTGCTGAGAACCCTGAAACTTTGGA[T>A]GAAATTTATAATAGAAAATCTGTTTTACTGACGTTGATAGCTGTGGTTTTATCCTGTAGC-3'
Protein context (NP_000042.3, residues 1135-1155): SHSAENPETL[Asp1145Glu]EIYNRKSVLL

ClinVar aggregate classification (germline): Uncertain significance. Review status: criteria provided, multiple submitters, no conflicts (2 of 4 stars). 2 submissions from 2 submitters: Uncertain significance (2). Last evaluated 2019-10-03.

Conditions:
Hereditary cancer-predisposing syndrome. Also called: Tumor predisposition; Hereditary neoplastic syndrome; Hereditary Cancer Syndrome; Neoplastic Syndromes, Hereditary. Identifiers: Orphanet 140162, MedGen C0027672, MeSH D009386, MONDO:0015356.

Allele frequency attached by ClinVar (database versions not stated): gnomAD exomes below 0.00001.
gnomAD v4.1: 2 of 1,613,370 alleles (0.00012%); highest among the groups gnomAD compares: South Asian, 0.0022%; no homozygotes.

Submissions (2):

GeneDx
Classification: Uncertain significance. Last evaluated: 2019-10-03. Review status: criteria provided, single submitter. Criteria: GeneDx Variant Classification Process June 2021. Collection method: clinical testing. Allele origin: germline. Affected: yes.
Comment: Not observed in large population cohorts (Lek et al., 2016); In silico analysis, which includes protein predictors and evolutionary conservation, supports that this variant does not alter protein structure/function; Has not been previously published as pathogenic or benign to our knowledge

Color Diagnostics, LLC DBA Color Health
Classification: Uncertain significance for Hereditary cancer-predisposing syndrome. Last evaluated: 2019-06-06. Review status: criteria provided, single submitter. Criteria: ACMG Guidelines, 2015. Collection method: clinical testing. Allele origin: germline.